The following is an entry in ClinVar:

NM_182746.3(MCM4):c.778G>A (p.Val260Ile)

Gene: MCM4 (minichromosome maintenance complex component 4; plus strand). Cytogenetic location: 8q11.21.
Variant type: single nucleotide variant.
Coding change: c.778G>A on transcript NM_182746.3 (MANE Select); coding-DNA position 778, G replaced by A.
Protein change: p.Val260Ile; replaces valine 260 with isoleucine.
Molecular consequence: missense variant.
Genome position (GRCh38, 1-based): chr8:47,964,658, G>A. VCF-style: chr8-47964658-G-A. GRCh37 (hg19) VCF-style: chr8-48877218-G-A.
Other names: c.778G>A, p.Val260Ile (NM_005914.4); short protein forms V260I.
Identifiers: ClinVar variation 1899218 (VCV001899218.5), dbSNP rs1397748350, ClinGen allele CA371147959.

ClinVar aggregate classification (germline): Uncertain significance (1 of 4 stars; one submission).

Allele frequency attached by ClinVar (database versions not stated): gnomAD exomes below 0.00001; gnomAD 0.00001; TOPMed 0.00001.
gnomAD v4.1: 2 of 1,605,970 alleles (0.00012%); highest among the groups gnomAD compares: African/African-American, 0.0013%; no homozygotes.

Submission:

Labcorp Genetics (formerly Invitae), Labcorp
Classification: Uncertain significance. Last evaluated: 2022-03-28. Review status: criteria provided, single submitter. Criteria: Invitae Variant Classification Sherloc (09022015). Collection method: clinical testing. Allele origin: germline.
Comment: In summary, the available evidence is currently insufficient to determine the role of this variant in disease. Therefore, it has been classified as a Variant of Uncertain Significance. Algorithms developed to predict the effect of missense changes on protein structure and function (SIFT, PolyPhen-2, Align-GVGD) all suggest that this variant is likely to be tolerated. This variant has not been reported in the literature in individuals affected with MCM4-related conditions. This variant is present in population databases (no rsID available, gnomAD 0.01%). This sequence change replaces valine, which is neutral and non-polar, with isoleucine, which is neutral and non-polar, at codon 260 of the MCM4 protein (p.Val260Ile).